The following is an entry in ClinVar:

ClinVar aggregate classification (germline): Uncertain significance (1 of 4 stars; one submission).

Allele frequency attached by ClinVar (database versions not stated): TOPMed 0.00003; gnomAD 0.00004; gnomAD exomes 0.00001; ExAC 0.00001.
gnomAD v4.1: 27 of 1,612,486 alleles (0.0017%); highest among the groups gnomAD compares: African/African-American, 0.0067%; no homozygotes.

Submission:

Labcorp Genetics (formerly Invitae), Labcorp
Classification: Uncertain significance. Last evaluated: 2022-01-27. Review status: criteria provided, single submitter. Criteria: Invitae Variant Classification Sherloc (09022015). Collection method: clinical testing. Allele origin: germline.
Comment: This sequence change replaces arginine, which is basic and polar, with tryptophan, which is neutral and slightly polar, at codon 15 of the EIF2B3 protein (p.Arg15Trp). This variant is present in population databases (rs775048786, gnomAD 0.008%). This variant has not been reported in the literature in individuals affected with EIF2B3-related conditions. Algorithms developed to predict the effect of missense changes on protein structure and function (SIFT, PolyPhen-2, Align-GVGD) all suggest that this variant is likely to be disruptive. In summary, the available evidence is currently insufficient to determine the role of this variant in disease. Therefore, it has been classified as a Variant of Uncertain Significance.

NM_020365.5(EIF2B3):c.43C>T (p.Arg15Trp)

Gene: EIF2B3 (eukaryotic translation initiation factor 2B subunit gamma; minus strand). Cytogenetic location: 1p34.1.
Variant type: single nucleotide variant.
Coding change: c.43C>T on transcript NM_020365.5 (MANE Select); coding-DNA position 43, C replaced by T.
Protein change: p.Arg15Trp; replaces arginine 15 with tryptophan.
Molecular consequence: missense variant.
Genome position (GRCh38, 1-based): chr1:44,981,126, G>A on the plus strand (C>T on the coding strand, the complement: EIF2B3 is on the minus strand). VCF-style: chr1-44981126-G-A. GRCh37 (hg19) VCF-style: chr1-45446798-G-A.
Other names: c.43C>T, p.Arg15Trp (NM_001166588.3, NM_001261418.2); short protein forms R15W.
Identifiers: ClinVar variation 1442148 (VCV001442148.3), dbSNP rs775048786, ClinGen allele CA824115.